The following is an entry in ClinVar:

NM_001384900.1(SEMA3D):c.1988A>G (p.Tyr663Cys)

Genes: SEMA3D (semaphorin 3D; minus strand), LOC126860094 (BRD4-independent group 4 enhancer GRCh37_chr7:84628763-84629962; plus strand). Cytogenetic location: 7q21.11.
Variant type: single nucleotide variant.
Coding change: c.1988A>G on transcript NM_001384900.1 (MANE Select); coding-DNA position 1988, A replaced by G.
Protein change: p.Tyr663Cys; replaces tyrosine 663 with cysteine.
Molecular consequence: missense variant.
Genome position (GRCh38, 1-based): chr7:84,999,786, T>C on the plus strand (A>G on the coding strand, the complement: SEMA3D is on the minus strand). VCF-style: chr7-84999786-T-C. GRCh37 (hg19) VCF-style: chr7-84629102-T-C.
Other names: c.1988A>G, p.Tyr663Cys (NM_001384901.1, NM_001384902.1, NM_001384903.1 and 1 more transcripts); short protein forms Y663C.
Identifiers: ClinVar variation 4985131 (VCV004985131.1).

ClinVar aggregate classification (germline): Uncertain significance (1 of 4 stars; one submission).

Conditions:
SEMA3D-related disorder. Also called: SEMA3D-related condition.

Submission:

PreventionGenetics, part of Exact Sciences
Classification: Uncertain significance for SEMA3D-related condition. Last evaluated: 2026-09-22. Review status: criteria provided, single submitter. Criteria: ACMG Guidelines, 2015. Collection method: clinical testing. Allele origin: germline.
Comment: The SEMA3D c.1988A>G variant is predicted to result in the amino acid substitution p.Tyr663Cys. To our knowledge, this variant has not been reported in the literature. This variant is reported in 0.0033% of alleles in individuals of South Asian descent in gnomAD. At this time, the clinical significance of this variant is uncertain due to the absence of conclusive functional and genetic evidence.